The following is an entry in ClinVar:

NM_005120.3(MED12):c.4343G>A (p.Gly1448Glu)

Gene: MED12 (mediator complex subunit 12; plus strand). Cytogenetic location: Xq13.1.
Variant type: single nucleotide variant.
Coding change: c.4343G>A on transcript NM_005120.3 (MANE Select); coding-DNA position 4343, G replaced by A.
Protein change: p.Gly1448Glu; replaces glycine 1448 with glutamic acid.
Molecular consequence: missense variant.
Genome position (GRCh38, 1-based): chrX:71,132,466, G>A. VCF-style: chrX-71132466-G-A. GRCh37 (hg19) VCF-style: chrX-70352316-G-A.
Other names: short protein forms G1448E.
Identifiers: ClinVar variation 1381838 (VCV001381838.8), dbSNP rs2147814559, ClinGen allele CA413526505.

ClinVar aggregate classification (germline): Uncertain significance (1 of 4 stars; one submission).

Conditions:
FG syndrome (FGS). Identifiers: MedGen C0220769, MONDO:0002010.

Submission:

Labcorp Genetics (formerly Invitae), Labcorp
Classification: Uncertain significance for FG syndrome. Last evaluated: 2024-12-04. Review status: criteria provided, single submitter. Criteria: Invitae Variant Classification Sherloc (09022015). Collection method: clinical testing. Allele origin: germline.
Comment: This sequence change replaces glycine, which is neutral and non-polar, with glutamic acid, which is acidic and polar, at codon 1448 of the MED12 protein (p.Gly1448Glu). This variant is not present in population databases (gnomAD no frequency). This variant has not been reported in the literature in individuals affected with MED12-related conditions. ClinVar contains an entry for this variant (Variation ID: 1381838). Invitae Evidence Modeling of protein sequence and biophysical properties (such as structural, functional, and spatial information, amino acid conservation, physicochemical variation, residue mobility, and thermodynamic stability) has been performed for this missense variant. However, the output from this modeling did not meet the statistical confidence thresholds required to predict the impact of this variant on MED12 protein function. In summary, the available evidence is currently insufficient to determine the role of this variant in disease. Therefore, it has been classified as a Variant of Uncertain Significance.